The following is an entry in ClinVar:

ClinVar aggregate classification (germline): Uncertain significance (1 of 4 stars; one submission).

Conditions:
Dystonic disorder. Also called: Dystonia. Identifiers: MedGen C0013421, MONDO:0003441, HP:0001332.

gnomAD v4.1: 3 of 1,613,298 alleles (0.00019%); highest among the groups gnomAD compares: Admixed American, 0.0017%; no homozygotes.

Submission:

Labcorp Genetics (formerly Invitae), Labcorp
Classification: Uncertain significance for Dystonic disorder. Last evaluated: 2025-06-25. Review status: criteria provided, single submitter. Criteria: Invitae Variant Classification Sherloc (09022015). Collection method: clinical testing. Allele origin: germline.
Comment: This sequence change replaces arginine, which is basic and polar, with glutamine, which is neutral and polar, at codon 294 of the DRD2 protein (p.Arg294Gln). This variant is present in population databases (rs750922396, gnomAD 0.003%). This variant has not been reported in the literature in individuals affected with DRD2-related conditions. An algorithm developed to predict the effect of missense changes on protein structure and function (PolyPhen-2) suggests that this variant is likely to be tolerated. In summary, the available evidence is currently insufficient to determine the role of this variant in disease. Therefore, it has been classified as a Variant of Uncertain Significance.

NM_000795.4(DRD2):c.881G>A (p.Arg294Gln)

Gene: DRD2 (dopamine receptor D2; minus strand). Cytogenetic location: 11q23.2.
Variant type: single nucleotide variant.
Coding change: c.881G>A on transcript NM_000795.4 (MANE Select); coding-DNA position 881, G replaced by A.
Protein change: p.Arg294Gln; replaces arginine 294 with glutamine.
Molecular consequence: missense variant.
Genome position (GRCh38, 1-based): chr11:113,412,813, C>T on the plus strand (G>A on the coding strand, the complement: DRD2 is on the minus strand). VCF-style: chr11-113412813-C-T. GRCh37 (hg19) VCF-style: chr11-113283535-C-T.
Other names: c.878G>A, p.Arg293Gln (NM_001440368.1); c.794G>A, p.Arg265Gln (NM_016574.4); short protein forms R293Q, R265Q, R294Q.
Identifiers: ClinVar variation 4735274 (VCV004735274.1).